The following is an entry in ClinVar:

NM_052988.5(CDK10):c.87+5G>A

Genes: CDK10 (cyclin dependent kinase 10; plus strand), LINC02166 (long intergenic non-protein coding RNA 2166; minus strand). Cytogenetic location: 16q24.3.
Variant type: single nucleotide variant.
Coding change: c.87+5G>A on transcript NM_052988.5 (MANE Select); 5 bases into the intron after coding-DNA position 87, G replaced by A.
Molecular consequence: intron variant. On other transcripts: non-coding transcript variant (4).
Genome position (GRCh38, 1-based): chr16:89,686,802, G>A. VCF-style: chr16-89686802-G-A. GRCh37 (hg19) VCF-style: chr16-89753210-G-A.
Other names: c.-127+43G>A (NM_001160367.2, NM_052987.4, NM_001098533.3).
Identifiers: ClinVar variation 2580185 (VCV002580185.2), dbSNP rs2543559184, ClinGen allele CA2576100253.

ClinVar aggregate classification (germline): Pathogenic/Likely pathogenic. Review status: criteria provided, multiple submitters, no conflicts (2 of 4 stars). 2 submissions from 2 submitters: Pathogenic (1); Likely pathogenic (1). Last evaluated 2024-07-12.

Conditions:
Al Kaissi syndrome. Also called: GROWTH RETARDATION, SPINE MALFORMATION, DYSMORPHIC FACIES, AND DEVELOPMENTAL DELAY. Identifiers: MedGen C4540156, MONDO:0044324, OMIM 617694.

Allele frequency attached by ClinVar (database versions not stated): gnomAD exomes below 0.00001.
gnomAD v4.1: 1 of 1,607,618 alleles (0.000062%); highest among the groups gnomAD compares: South Asian, 0.0011%; no homozygotes.

Submissions (2):

GeneDx
Classification: Likely pathogenic. Last evaluated: 2024-07-12. Review status: criteria provided, single submitter. Criteria: GeneDx Variant Classification Process June 2021. Collection method: clinical testing. Allele origin: germline. Affected: yes.
Comment: Intronic variant directly or indirectly altering the +5 splice site in a gene for which loss of function is a known mechanism of disease, and splice predictors support a deleterious effect; Not observed at significant frequency in large population cohorts (gnomAD); This variant is associated with the following publications: (PMID: 36503922)

Laboratory of Medical Genetics (UMR_S 1112), INSERM/Strasbourg University
Classification: Pathogenic for Al Kaissi syndrome. Review status: criteria provided, single submitter. Criteria: ACMG Guidelines, 2015. Collection method: clinical testing. Allele origin: biparental. Affected: yes. Observed: 1 variant allele, 1 homozygote.